The following is an entry in ClinVar:

ClinVar aggregate classification (germline): Uncertain significance (1 of 4 stars; one submission).

Conditions:
Hereditary pheochromocytoma and paraganglioma. Also called: Hereditary pheochromocytoma-paraganglioma; Hereditary paragangliomas and pheochromocytomas; Hereditary Paraganglioma-Pheochromocytoma Syndromes. Identifiers: Orphanet 29072, MedGen C4274332, MONDO:0017366.

Submission:

Labcorp Genetics (formerly Invitae), Labcorp
Classification: Uncertain significance for Hereditary Paraganglioma-Pheochromocytoma Syndromes. Last evaluated: 2019-02-11. Review status: criteria provided, single submitter. Criteria: Invitae Variant Classification Sherloc (09022015). Collection method: clinical testing. Allele origin: germline.
Comment: This variant results in a copy number gain of the genomic region encompassing the full coding sequence of the MAX gene. The boundaries of this event are unknown as they extend beyond the assayed region for this gene and therefore may encompass additional genes. As the precise location of this event is unknown, it may be in tandem or it may be located elsewhere in the genome. This variant has not been reported in the literature in individuals with MAX-related conditions. Experimental studies and prediction algorithms are not available for this variant, and the functional significance of the affected amino acid(s) is currently unknown. In summary, the available evidence is currently insufficient to determine the role of this variant in disease. Therefore, it has been classified as a Variant of Uncertain Significance.

NC_000014.9:g.(?_65076466)_(65102349_?)dup

Gene: MAX (MYC associated transcriptional regulator X; minus strand). Cytogenetic location: 14q23.3.
Variant type: Duplication.
Identifiers: ClinVar variation 832052 (VCV000832052.1).